The following is an entry in ClinVar:

NM_017636.4(TRPM4):c.1873+13C>G

Gene: TRPM4 (transient receptor potential cation channel subfamily M member 4; plus strand). Cytogenetic location: 19q13.33.
Variant type: single nucleotide variant.
Coding change: c.1873+13C>G on transcript NM_017636.4 (MANE Select); 13 bases into the intron after coding-DNA position 1873, C replaced by G.
Molecular consequence: intron variant.
Genome position (GRCh38, 1-based): chr19:49,188,783, C>G. VCF-style: chr19-49188783-C-G. GRCh37 (hg19) VCF-style: chr19-49692040-C-G.
Other names: c.1873+13C>G (NM_001195227.2); c.265+13C>G (NM_001321282.2); c.1528+13C>G (NM_001321281.2); c.1351+13C>G (NM_001321283.2); c.811+13C>G (NM_001321285.2).
Identifiers: ClinVar variation 387331 (VCV000387331.14), dbSNP rs184297107, ClinGen allele CA9569344.

ClinVar aggregate classification (germline): Conflicting classifications of pathogenicity. Review status: criteria provided, conflicting classifications (1 of 4 stars). 5 submissions from 5 submitters: Uncertain significance (1); Benign (2); Likely benign (2). Last evaluated 2026-01-15.

Conditions:
Progressive familial heart block type IB (PFHB1B). Identifiers: Orphanet 871, MedGen C1970298, MONDO:0011474, OMIM 604559.

Allele frequency attached by ClinVar (database versions not stated): gnomAD exomes 0.00041; ExAC 0.00045; ESP Exome Variant Server 0.00138; gnomAD 0.00145 and 0.00154; 1000 Genomes Project 30x 0.00172; TOPMed 0.00172; 1000 Genomes Project 0.00180.
gnomAD v4.1: 433 of 1,613,830 alleles (0.027%); highest among the groups gnomAD compares: African/African-American, 0.47%; 4 homozygotes.

Submissions (5):

Labcorp Genetics (formerly Invitae), Labcorp
Classification: Benign for Progressive familial heart block type IB. Last evaluated: 2026-01-15. Review status: criteria provided, single submitter. Criteria: Invitae Variant Classification Sherloc (09022015). Collection method: clinical testing. Allele origin: germline.

Blueprint Genetics
Classification: Likely benign. Last evaluated: 2024-11-26. Review status: criteria provided, single submitter. Criteria: ACMG Guidelines, 2015. Collection method: clinical testing. Allele origin: germline.

Women's Health and Genetics/Laboratory Corporation of America, LabCorp
Classification: Benign. Last evaluated: 2024-01-22. Review status: criteria provided, single submitter. Criteria: LabCorp Variant Classification Summary - May 2015. Collection method: clinical testing. Allele origin: germline.

GeneDx
Classification: Likely benign. Last evaluated: 2018-02-20. Review status: criteria provided, single submitter. Criteria: GeneDx Variant Classification (06012015). Collection method: clinical testing. Allele origin: germline. Affected: yes.
Comment: This variant is considered likely benign or benign based on one or more of the following criteria: it is a conservative change, it occurs at a poorly conserved position in the protein, it is predicted to be benign by multiple in silico algorithms, and/or has population frequency not consistent with disease.

Illumina Laboratory Services, Illumina
Classification: Uncertain significance for Progressive familial heart block type IB. Last evaluated: 2018-01-12. Review status: criteria provided, single submitter. Criteria: ICSL Variant Classification Criteria 13 December 2019. Collection method: clinical testing. Allele origin: germline.